The following is an entry in ClinVar:

ClinVar aggregate classification (germline): Pathogenic. Review status: criteria provided, multiple submitters, no conflicts (2 of 4 stars). 7 submissions from 7 submitters: Pathogenic (6). 1 of the submissions does not count toward it. Last evaluated 2024-08-15.

Conditions:
Maple syrup urine disease (MSUD). Identifiers: Orphanet 511, MedGen C0024776, MeSH D008375, MONDO:0009563. Disease mechanism: loss of function.
Maple syrup urine disease type 1B (MSUD1B). Also called: MSUD type IB; MSUD type 3 (formerly); MSUD due to deficiency of e1-beta subunit of branched-chain alpha-keto acid dehydrogenase complex. Identifiers: MedGen C2930990, MONDO:0023692, OMIM 620698.
Maple syrup urine disease type 1A (MSUD1A). Also called: MSUD type 1A. Identifiers: MedGen C1855369, MONDO:0023691, OMIM 248600.

Allele frequency attached by ClinVar (database versions not stated): gnomAD exomes below 0.00001.

Submissions (7):

Natera, Inc.
Classification: Pathogenic for Maple syrup urine disease type 1B. Last evaluated: 2024-08-15. Review status: criteria provided, single submitter. Criteria: Natera Variant Classification Schema (03/2026). Collection method: clinical testing. Allele origin: germline.
Comment: The c.1065delT variant in BCKDHB is a frameshift variant predicted to shift the reading frame beginning at codon 356 and leads to a stop codon 34 codons downstream. This variant is expected to result in nonsense mediated decay, truncation, or a dysfunctional protein product. This variant is rare in the general population with a frequency below the threshold expected for the associated phenotype(s). This variant has been observed in one or more individuals affected with the associated recessive disease, as either homozygous or compound heterozygous with a second variant (PMID: 31980395, 26257134). Given the available evidence, this variant is classified as Pathogenic.

Labcorp Genetics (formerly Invitae), Labcorp
Classification: Pathogenic for Maple syrup urine disease. Last evaluated: 2024-02-05. Review status: criteria provided, single submitter. Criteria: Invitae Variant Classification Sherloc (09022015). Collection method: clinical testing. Allele origin: germline.
Comment: This sequence change creates a premature translational stop signal (p.Pro356Leufs*34) in the BCKDHB gene. While this is not anticipated to result in nonsense mediated decay, it is expected to disrupt the last 37 amino acid(s) of the BCKDHB protein. This variant is not present in population databases (gnomAD no frequency). This premature translational stop signal has been observed in individuals with maple syrup urine disease (PMID: 22593002, 26257134). ClinVar contains an entry for this variant (Variation ID: 224059). Experimental studies and prediction algorithms are not available or were not evaluated, and the functional significance of this variant is currently unknown. For these reasons, this variant has been classified as Pathogenic.

Baylor Genetics
Classification: Pathogenic for Maple syrup urine disease type 1A. Last evaluated: 2023-05-13. Review status: criteria provided, single submitter. Criteria: ACMG Guidelines, 2015. Collection method: clinical testing. Allele origin: unknown.

Genome-Nilou Lab
Classification: Pathogenic for Maple syrup urine disease type 1A. Last evaluated: 2021-11-07. Review status: criteria provided, single submitter. Criteria: ACMG Guidelines, 2015. Collection method: clinical testing. Allele origin: germline. Affected: no.

Women's Health and Genetics/Laboratory Corporation of America, LabCorp
Classification: Pathogenic for Maple syrup urine disease. Last evaluated: 2021-09-26. Review status: criteria provided, single submitter. Criteria: LabCorp Variant Classification Summary - May 2015. Collection method: clinical testing. Allele origin: germline.
Comment: Variant summary: BCKDHB c.1065delT (p.Pro356LeufsX34) results in a premature termination codon, predicted to cause a truncation of the encoded protein or absence of the protein due to nonsense mediated decay, which are commonly known mechanisms for disease. Truncations downstream of this position have been classified as pathogenic by our laboratory. The variant was absent in 251226 control chromosomes. c.1065delT has been reported in the literature in multiple individuals affected with Maple Syrup Urine Disease (example, Bashyam_2012, Gupta_2015). These data indicate that the variant is very likely to be associated with disease. To our knowledge, no experimental evidence demonstrating an impact on protein function has been reported. Two clinical diagnostic laboratories have submitted clinical-significance assessments for this variant to ClinVar after 2014 without evidence for independent evaluation. All laboratories classified the variant as pathogenic. Based on the evidence outlined above, the variant was classified as pathogenic.

Institute of Medical Genetics and Genomics, Sir Ganga Ram Hospital
Classification: Pathogenic for Maple syrup urine disease type 1A. Last evaluated: 2011-01-01. Review status: criteria provided, single submitter. Criteria: Submitter's publication. Collection method: research. Allele origin: germline. Affected: yes. Observed: 5 variant alleles.
Comment: Single base deletion in exon 10

Counsyl
Classification: Pathogenic for Maple syrup urine disease type 1A. Last evaluated: 2017-11-09. Review status: no assertion criteria provided. Collection method: clinical testing. Allele origin: unknown. Not counted in ClinVar's aggregate classification.

Literature cited by the submitters: PubMed 31980395 (cited by Natera, Inc.); PubMed 26257134 (cited by 4 submitters); PubMed 22593002 (cited by 4 submitters).

NM_183050.4(BCKDHB):c.1065del (p.Pro356fs)

Gene: BCKDHB (branched chain keto acid dehydrogenase E1 subunit beta; plus strand). Cytogenetic location: 6q14.1.
Variant type: Deletion.
Coding change: c.1065del on transcript NM_183050.4 (MANE Select); coding-DNA position 1065, one base deleted (T; older notation c.1065delT).
Protein change: p.Pro356fs; shifts the reading frame from proline 356.
Molecular consequence: frameshift variant. On other transcripts: non-coding transcript variant (1).
Genome position (GRCh38, 1-based): chr6:80,343,690, T deleted. VCF-style (leftmost placement, unchanged base first): chr6-80343689-CT-C. GRCh37 (hg19) VCF-style: chr6-81053406-CT-C.
Other names: c.1065del (NM_183050.2, NM_183050.3); c.1065del, p.Pro356fs (NM_000056.5); c.855del, p.Pro286fs (NM_001318975.1); short protein forms P356fs, P286fs.
Identifiers: ClinVar variation 224059 (VCV000224059.19), dbSNP rs869312129, ClinGen allele CA354914.